The following is an entry in ClinVar:

ClinVar aggregate classification (germline): Uncertain significance (1 of 4 stars; one submission).

Conditions:
Cone-rod dystrophy 2 (CORD2). Also called: CONE-ROD RETINAL DYSTROPHY; Cone-rod retinal dystrophy 2. Identifiers: Orphanet 1872, MedGen C3489532, MONDO:0007362, OMIM 120970.
Leber congenital amaurosis 7 (LCA7). Identifiers: Orphanet 65, MedGen C3151192, MONDO:0013449, OMIM 613829.

Submission:

Labcorp Genetics (formerly Invitae), Labcorp
Classification: Uncertain significance for Cone-rod dystrophy 2; Leber congenital amaurosis 7. Last evaluated: 2025-03-17. Review status: criteria provided, single submitter. Criteria: Invitae Variant Classification Sherloc (09022015). Collection method: clinical testing. Allele origin: germline.
Comment: This sequence change replaces isoleucine, which is neutral and non-polar, with phenylalanine, which is neutral and non-polar, at codon 76 of the CRX protein (p.Ile76Phe). This variant is not present in population databases (gnomAD no frequency). This variant has not been reported in the literature in individuals affected with CRX-related conditions. ClinVar contains an entry for this variant (Variation ID: 1480386). Invitae Evidence Modeling of protein sequence and biophysical properties (such as structural, functional, and spatial information, amino acid conservation, physicochemical variation, residue mobility, and thermodynamic stability) indicates that this missense variant is expected to disrupt CRX protein function with a positive predictive value of 95%. In summary, the available evidence is currently insufficient to determine the role of this variant in disease. Therefore, it has been classified as a Variant of Uncertain Significance.

NM_000554.6(CRX):c.226A>T (p.Ile76Phe)

Gene: CRX (cone-rod homeobox; plus strand). Cytogenetic location: 19q13.33.
Variant type: single nucleotide variant.
Coding change: c.226A>T on transcript NM_000554.6 (MANE Select); coding-DNA position 226, A replaced by T.
Protein change: p.Ile76Phe; replaces isoleucine 76 with phenylalanine.
Molecular consequence: missense variant.
Genome position (GRCh38, 1-based): chr19:47,836,368, A>T. VCF-style: chr19-47836368-A-T. GRCh37 (hg19) VCF-style: chr19-48339625-A-T.
Other names: short protein forms I76F.
Identifiers: ClinVar variation 1480386 (VCV001480386.6), dbSNP rs2123740000, ClinGen allele CA406629798.